The following is an entry in ClinVar:

ClinVar aggregate classification (germline): Uncertain significance. Review status: criteria provided, multiple submitters, no conflicts (2 of 4 stars). 2 submissions from 2 submitters: Uncertain significance (2). Last evaluated 2024-11-14.

gnomAD v4.1: 2 of 1,614,116 alleles (0.00012%); no homozygotes.

Submissions (2):

Ambry Genetics
Classification: Uncertain significance. Last evaluated: 2024-11-14. Review status: criteria provided, single submitter. Criteria: Ambry Variant Classification Scheme 2023. Collection method: clinical testing. Allele origin: germline.

Labcorp Genetics (formerly Invitae), Labcorp
Classification: Uncertain significance. Last evaluated: 2024-08-21. Review status: criteria provided, single submitter. Criteria: Invitae Variant Classification Sherloc (09022015). Collection method: clinical testing. Allele origin: germline.
Comment: This sequence change replaces arginine, which is basic and polar, with leucine, which is neutral and non-polar, at codon 160 of the SUCLG2 protein (p.Arg160Leu). This variant is not present in population databases (gnomAD no frequency). This variant has not been reported in the literature in individuals affected with SUCLG2-related conditions. An algorithm developed to predict the effect of missense changes on protein structure and function (PolyPhen-2) suggests that this variant is likely to be disruptive. In summary, the available evidence is currently insufficient to determine the role of this variant in disease. Therefore, it has been classified as a Variant of Uncertain Significance.

NM_003848.4(SUCLG2):c.479G>T (p.Arg160Leu)

Gene: SUCLG2 (succinate-CoA ligase GDP-forming subunit beta; minus strand). Cytogenetic location: 3p14.1.
Variant type: single nucleotide variant.
Coding change: c.479G>T on transcript NM_003848.4 (MANE Select); coding-DNA position 479, G replaced by T.
Protein change: p.Arg160Leu; replaces arginine 160 with leucine.
Molecular consequence: missense variant.
Genome position (GRCh38, 1-based): chr3:67,520,573, C>A on the plus strand (G>T on the coding strand, the complement: SUCLG2 is on the minus strand). VCF-style: chr3-67520573-C-A. GRCh37 (hg19) VCF-style: chr3-67570997-C-A.
Other names: c.479G>T, p.Arg160Leu (NM_001177599.2); short protein forms R160L.
Identifiers: ClinVar variation 3451103 (VCV003451103.3).